The following is an entry in ClinVar:

ClinVar aggregate classification (germline): Uncertain significance (1 of 4 stars; one submission).

Submission:

Labcorp Genetics (formerly Invitae), Labcorp
Classification: Uncertain significance. Last evaluated: 2023-10-10. Review status: criteria provided, single submitter. Criteria: Invitae Variant Classification Sherloc (09022015). Collection method: clinical testing. Allele origin: germline.
Comment: This sequence change replaces tyrosine, which is neutral and polar, with histidine, which is basic and polar, at codon 535 of the ATP6V1A protein (p.Tyr535His). This variant is not present in population databases (gnomAD no frequency). This variant has not been reported in the literature in individuals affected with ATP6V1A-related conditions. Advanced modeling of protein sequence and biophysical properties (such as structural, functional, and spatial information, amino acid conservation, physicochemical variation, residue mobility, and thermodynamic stability) performed at Invitae indicates that this missense variant is not expected to disrupt ATP6V1A protein function. In summary, the available evidence is currently insufficient to determine the role of this variant in disease. Therefore, it has been classified as a Variant of Uncertain Significance.

NM_001690.4(ATP6V1A):c.1603T>C (p.Tyr535His)

Gene: ATP6V1A (ATPase H+ transporting V1 subunit A; plus strand). Cytogenetic location: 3q13.31.
Variant type: single nucleotide variant.
Coding change: c.1603T>C on transcript NM_001690.4 (MANE Select); coding-DNA position 1603, T replaced by C.
Protein change: p.Tyr535His; replaces tyrosine 535 with histidine.
Molecular consequence: missense variant.
Genome position (GRCh38, 1-based): chr3:113,805,367, T>C. VCF-style: chr3-113805367-T-C. GRCh37 (hg19) VCF-style: chr3-113524214-T-C.
Other names: short protein forms Y535H.
Identifiers: ClinVar variation 2767241 (VCV002767241.3), dbSNP rs2549727665, ClinGen allele CA353993056.